The following is an entry in ClinVar:

ClinVar aggregate classification (germline): Uncertain significance (1 of 4 stars; one submission).

Conditions:
Retinitis pigmentosa 73 (RP73). Identifiers: Orphanet 791, MedGen C4225287, MONDO:0014687, OMIM 616544.
Mucopolysaccharidosis, MPS-III-C (MPS3C). Also called: SANFILIPPO SYNDROME C; MPS III C; Mucopolysaccharidosis type IIIC (Sanfilippo C); MUCOPOLYSACCHARIDOSIS, TYPE IIIC; mucopolysaccharidosis type 3C; MPS IIIC (Sanfilippo Syndrome Type C). Identifiers: Orphanet 581, Orphanet 79271, MedGen C0086649, MONDO:0009657, OMIM 252930.

Allele frequency attached by ClinVar (database versions not stated): 1000 Genomes Project 30x 0.00047; gnomAD exomes below 0.00001; gnomAD 0.00003; TOPMed below 0.00001.
gnomAD v4.1: 6 of 1,179,440 alleles (0.00051%); highest among the groups gnomAD compares: Admixed American, 0.0043%; no homozygotes.

Submission:

Labcorp Genetics (formerly Invitae), Labcorp
Classification: Uncertain significance for Retinitis pigmentosa 73; Mucopolysaccharidosis, MPS-III-C. Last evaluated: 2022-04-10. Review status: criteria provided, single submitter. Criteria: Invitae Variant Classification Sherloc (09022015). Collection method: clinical testing. Allele origin: germline.
Comment: This sequence change replaces leucine, which is neutral and non-polar, with valine, which is neutral and non-polar, at codon 18 of the HGSNAT protein (p.Leu18Val). This variant is present in population databases (no rsID available, gnomAD 0.007%). This variant has not been reported in the literature in individuals affected with HGSNAT-related conditions. Advanced modeling of protein sequence and biophysical properties (such as structural, functional, and spatial information, amino acid conservation, physicochemical variation, residue mobility, and thermodynamic stability) performed at Invitae indicates that this missense variant is not expected to disrupt HGSNAT protein function. Algorithms developed to predict the effect of sequence changes on RNA splicing suggest that this variant may create or strengthen a splice site. In summary, the available evidence is currently insufficient to determine the role of this variant in disease. Therefore, it has been classified as a Variant of Uncertain Significance.

NM_152419.3(HGSNAT):c.52C>G (p.Leu18Val)

Genes: HGSNAT (heparan-alpha-glucosaminide N-acetyltransferase; plus strand), LOC130000316 (ATAC-STARR-seq lymphoblastoid silent region 19164; plus strand). Cytogenetic location: 8p11.21.
Variant type: single nucleotide variant.
Coding change: c.52C>G on transcript NM_152419.3 (MANE Select); coding-DNA position 52, C replaced by G.
Protein change: p.Leu18Val; replaces leucine 18 with valine.
Molecular consequence: missense variant. On other transcripts: 5 prime UTR variant (1).
Genome position (GRCh38, 1-based): chr8:43,140,548, C>G. VCF-style: chr8-43140548-C-G. GRCh37 (hg19) VCF-style: chr8-42995691-C-G.
Other names: c.52C>G, p.Leu18Val (NM_001363227.2, NM_001363228.2); c.-782C>G (NM_001363229.2); short protein forms L18V.
Identifiers: ClinVar variation 1971818 (VCV001971818.2), dbSNP rs1263981719, ClinGen allele CA371124582.